The following is an entry in ClinVar:

NC_000017.10:g.(?_17116959)_(17136215_?)dup

Gene: FLCN (folliculin; minus strand). Cytogenetic location: 17p11.2.
Variant type: Duplication.
Identifiers: ClinVar variation 659589 (VCV000659589.1).

ClinVar aggregate classification (germline): Uncertain significance (1 of 4 stars; one submission).

Conditions:
Birt-Hogg-Dube syndrome. Also called: Birt Hogg Dubé syndrome. Identifiers: Orphanet 122, MedGen C0346010, MONDO:0800444.

Submission:

Labcorp Genetics (formerly Invitae), Labcorp
Classification: Uncertain significance for Multiple fibrofolliculomas. Last evaluated: 2018-09-30. Review status: criteria provided, single submitter. Criteria: Invitae Variant Classification Sherloc (09022015). Collection method: clinical testing. Allele origin: germline.
Comment: This variant results in a copy number gain of the genomic region encompassing the full coding sequence of the FLCN gene. The boundaries of this event are unknown as they extend beyond the assayed region for this gene and therefore may encompass additional genes. As the precise location of this event is unknown, it may be in tandem or it may be located elsewhere in the genome. This variant has not been reported in the literature in individuals with FLCN-related disease. In summary, the available evidence is currently insufficient to determine the role of this variant in disease. Therefore, it has been classified as a Variant of Uncertain Significance.